The following is an entry in ClinVar:

NM_003072.5(SMARCA4):c.1979G>C (p.Ser660Thr)

Gene: SMARCA4 (SWI/SNF related BAF chromatin remodeling complex subunit ATPase 4; plus strand). Cytogenetic location: 19p13.2.
Variant type: single nucleotide variant.
Coding change: c.1979G>C on transcript NM_003072.5 (MANE Select); coding-DNA position 1979, G replaced by C.
Protein change: p.Ser660Thr; replaces serine 660 with threonine.
Molecular consequence: missense variant. On other transcripts: non-coding transcript variant (1).
Genome position (GRCh38, 1-based): chr19:11,003,375, G>C. VCF-style: chr19-11003375-G-C. GRCh37 (hg19) VCF-style: chr19-11114051-G-C.
Other names: c.1979G>C, p.Ser660Thr (NM_001128849.3, NM_001374457.1, NM_001387283.1 and 5 more transcripts); short protein forms S660T.
Identifiers: ClinVar variation 664243 (VCV000664243.8), dbSNP rs1600135848, ClinGen allele CA404052217.
Genomic context (GRCh38, chr19:11,003,375, plus strand): 5'-ATGAAAGCCCTTACATTTTTTCTAGGTATGAAGTAGCTCCGAGGTCTGATAGTGAAGAAA[G>C]TGGCTCAGAAGAAGAGGAAGAGGTAAGAGTGCATTTCCTGGCTTTCAAGGCTCTCAGTGC-3'
Protein context (NP_003063.2, residues 650-670): EVAPRSDSEE[Ser660Thr]GSEEEEEEEE

ClinVar aggregate classification (germline): Uncertain significance (1 of 4 stars; one submission).

Conditions:
Rhabdoid tumor predisposition syndrome 2 (RTPS2). Identifiers: Orphanet 231108, Orphanet 69077, MedGen C2750074, MONDO:0013224, OMIM 613325.

Submission:

Labcorp Genetics (formerly Invitae), Labcorp
Classification: Uncertain significance for Rhabdoid tumor predisposition syndrome 2. Last evaluated: 2018-07-25. Review status: criteria provided, single submitter. Criteria: Invitae Variant Classification Sherloc (09022015). Collection method: clinical testing. Allele origin: germline.
Comment: In summary, the available evidence is currently insufficient to determine the role of this variant in disease. Therefore, it has been classified as a Variant of Uncertain Significance. Algorithms developed to predict the effect of missense changes on protein structure and function are either unavailable or do not agree on the potential impact of this missense change (SIFT: "Deleterious"; PolyPhen-2: "Benign"; Align-GVGD: "Class C55"). This variant has not been reported in the literature in individuals with SMARCA4-related disease. This variant is not present in population databases (ExAC no frequency). This sequence change replaces serine with threonine at codon 660 of the SMARCA4 protein (p.Ser660Thr). The serine residue is highly conserved and there is a small physicochemical difference between serine and threonine.